The following is an entry in ClinVar:

ClinVar aggregate classification (germline): Pathogenic (1 of 4 stars; one submission).

Submission:

Labcorp Genetics (formerly Invitae), Labcorp
Classification: Pathogenic. Last evaluated: 2024-02-14. Review status: criteria provided, single submitter. Criteria: Invitae Variant Classification Sherloc (09022015). Collection method: clinical testing. Allele origin: germline.
Comment: This sequence change creates a premature translational stop signal (p.Ser951*) in the MCM3AP gene. It is expected to result in an absent or disrupted protein product. Loss-of-function variants in MCM3AP are known to be pathogenic (PMID: 28633435). This variant is not present in population databases (gnomAD no frequency). This variant has not been reported in the literature in individuals affected with MCM3AP-related conditions. Algorithms developed to predict the effect of sequence changes on RNA splicing suggest that this variant may disrupt the consensus splice site. For these reasons, this variant has been classified as Pathogenic.

Literature cited by the submitters: PubMed 28633435.

NM_003906.5(MCM3AP):c.2852C>A (p.Ser951Ter)

Gene: MCM3AP (minichromosome maintenance complex component 3 associated protein; minus strand). Cytogenetic location: 21q22.3.
Variant type: single nucleotide variant.
Coding change: c.2852C>A on transcript NM_003906.5 (MANE Select); coding-DNA position 2852, C replaced by A.
Protein change: p.Ser951Ter; replaces serine 951 with a stop codon.
Molecular consequence: nonsense.
Genome position (GRCh38, 1-based): chr21:46,266,104, G>T on the plus strand (C>A on the coding strand, the complement: MCM3AP is on the minus strand). VCF-style: chr21-46266104-G-T. GRCh37 (hg19) VCF-style: chr21-47686018-G-T.
Other names: short protein forms S951*.
Identifiers: ClinVar variation 3671203 (VCV003671203.2).
Genomic context (GRCh38, chr21:46,266,104, plus strand): 5'-AATGGCCCTCCGTTCACAATTTCCCCGACTGACACCGTCAGCTTCCTAGTAATAAACACC[G>T]ACTTCCTGGTCTTGGATAATCCCTCTGGTTCCAGGAATGCAGACCGGTTCAGCTCCACAC-3'